The following is an entry in ClinVar:

NM_001291303.3(FAT4):c.172G>A (p.Gly58Ser)

Gene: FAT4 (FAT atypical cadherin 4; plus strand). Cytogenetic location: 4q28.1.
Variant type: single nucleotide variant.
Coding change: c.172G>A on transcript NM_001291303.3 (MANE Select); coding-DNA position 172, G replaced by A.
Protein change: p.Gly58Ser; replaces glycine 58 with serine.
Molecular consequence: missense variant.
Genome position (GRCh38, 1-based): chr4:125,316,583, G>A. VCF-style: chr4-125316583-G-A. GRCh37 (hg19) VCF-style: chr4-126237738-G-A.
Other names: c.172G>A, p.Gly58Ser (NM_001291285.3, NM_024582.6); c.172G>A (NM_024582.5); short protein forms G58S.
Identifiers: ClinVar variation 1903141 (VCV001903141.6), dbSNP rs377541040, ClinGen allele CA3071756.
Genomic context (GRCh38, chr4:125,316,583, plus strand): 5'-GCCTGGGTCCACGGGGCCGAGCCGCGCCAGGTGTTCCAAGTGCTGGAAGAGCAACCTCCA[G>A]GCACTCTGGTAGGCACCATCCAGACGCGCCCCGGCTTCACCTACAGGCTCAGCGAAAGCC-3'
Protein context (NP_001278232.1, residues 48-68): VFQVLEEQPP[Gly58Ser]TLVGTIQTRP

ClinVar aggregate classification (germline): Uncertain significance. Review status: criteria provided, multiple submitters, no conflicts (2 of 4 stars). 5 submissions from 5 submitters: Uncertain significance (5). Last evaluated 2024-05-15.

Conditions:
Inborn genetic diseases. Identifiers: MedGen C0950123, MeSH D030342.
Hennekam lymphangiectasia-lymphedema syndrome 2 (HKLLS2). Identifiers: Orphanet 2136, MedGen C4014939, MONDO:0014454, OMIM 616006.
Van Maldergem syndrome 2 (VMLDS2). Identifiers: Orphanet 314679, MedGen C3809875, MONDO:0014242, OMIM 615546.
Intellectual disability. Also called: Intellectual functioning disability; Intellectual developmental disorder; intellectual disabilities. Identifiers: MedGen C3714756, MeSH D008607, MONDO:0001071, HP:0001249.

Allele frequency attached by ClinVar (database versions not stated): gnomAD 0.00002; TOPMed 0.00004; ExAC 0.00005; ESP Exome Variant Server 0.00008; gnomAD exomes 0.00009.
gnomAD v4.1: 139 of 1,613,924 alleles (0.0086%); highest among the groups gnomAD compares: Non-Finnish European, 0.011%; no homozygotes.

Submissions (5):

Fulgent Genetics
Classification: Uncertain significance for Van Maldergem syndrome 2; Hennekam lymphangiectasia-lymphedema syndrome 2. Last evaluated: 2024-05-15. Review status: criteria provided, single submitter. Criteria: ACMG Guidelines, 2015. Collection method: clinical testing. Allele origin: germline.

Ambry Genetics
Classification: Uncertain significance for Inborn genetic diseases. Last evaluated: 2022-11-10. Review status: criteria provided, single submitter. Criteria: Ambry Variant Classification Scheme 2023. Collection method: clinical testing. Allele origin: germline.

Blueprint Genetics
Classification: Uncertain significance. Last evaluated: 2022-06-23. Review status: criteria provided, single submitter. Criteria: ACMG Guidelines, 2015. Collection method: clinical testing. Allele origin: germline.

Labcorp Genetics (formerly Invitae), Labcorp
Classification: Uncertain significance. Last evaluated: 2022-04-06. Review status: criteria provided, single submitter. Criteria: Invitae Variant Classification Sherloc (09022015). Collection method: clinical testing. Allele origin: germline.
Comment: This sequence change replaces glycine, which is neutral and non-polar, with serine, which is neutral and polar, at codon 58 of the FAT4 protein (p.Gly58Ser). This variant is present in population databases (rs377541040, gnomAD 0.007%). This variant has not been reported in the literature in individuals affected with FAT4-related conditions. Algorithms developed to predict the effect of missense changes on protein structure and function (SIFT, PolyPhen-2, Align-GVGD) all suggest that this variant is likely to be disruptive. In summary, the available evidence is currently insufficient to determine the role of this variant in disease. Therefore, it has been classified as a Variant of Uncertain Significance.

Cambridge Genomics Laboratory, East Genomic Laboratory Hub, NHS Genomic Medicine Service
Classification: Uncertain significance for Intellectual disability. Last evaluated: 2020-02-25. Review status: criteria provided, single submitter. Criteria: ACGS Best Practice Guidelines for Variant Classification in Rare Disease 2020. Collection method: clinical testing. Allele origin: germline. Affected: yes. Observed: 1 variant allele.